The following is an entry in ClinVar:

NM_020458.4(TTC7A):c.764+5G>A

Gene: TTC7A (tetratricopeptide repeat domain 7A; plus strand). Cytogenetic location: 2p21.
Variant type: single nucleotide variant.
Coding change: c.764+5G>A on transcript NM_020458.4 (MANE Select); 5 bases into the intron after coding-DNA position 764, G replaced by A.
Molecular consequence: intron variant.
Genome position (GRCh38, 1-based): chr2:46,978,912, G>A. VCF-style: chr2-46978912-G-A. GRCh37 (hg19) VCF-style: chr2-47206051-G-A.
Other names: c.662+5G>A (NM_001288953.2); c.764+5G>A (NM_001288951.2); c.-141+5G>A (NM_001288955.2).
Identifiers: ClinVar variation 931205 (VCV000931205.3), dbSNP rs1180479579, ClinGen allele CA532329293.

ClinVar aggregate classification (germline): Likely pathogenic (1 of 4 stars; one submission).

Conditions:
Multiple gastrointestinal atresias. Also called: Multiple intestinal atresia; FAMILIAL INTESTINAL POLYATRESIA SYNDROME. Identifiers: Orphanet 2300, MedGen C0220744, MONDO:0009465.

Allele frequency attached by ClinVar (database versions not stated): gnomAD exomes below 0.00001.
gnomAD v4.1: 5 of 1,605,432 alleles (0.00031%); highest among the groups gnomAD compares: Non-Finnish European, 0.00043%; 1 homozygote.

Submission:

Centre for Mendelian Genomics, University Medical Centre Ljubljana
Classification: Likely pathogenic for Gastrointestinal defects and immunodeficiency syndrome 1. Last evaluated: 2019-10-29. Review status: criteria provided, single submitter. Criteria: ACMG Guidelines, 2015. Collection method: clinical testing. Allele origin: unknown. Affected: yes.
Comment: This variant was classified as: Likely pathogenic. The following ACMG criteria were applied in classifying this variant: PM2,PP3,PP4.